The following is an entry in ClinVar:

ClinVar aggregate classification (germline): Uncertain significance (1 of 4 stars; one submission).

gnomAD v4.1: 5 of 1,613,104 alleles (0.00031%); highest among the groups gnomAD compares: Non-Finnish European, 0.00042%; no homozygotes.

Submission:

Labcorp Genetics (formerly Invitae), Labcorp
Classification: Uncertain significance. Last evaluated: 2023-05-29. Review status: criteria provided, single submitter. Criteria: Invitae Variant Classification Sherloc (09022015). Collection method: clinical testing. Allele origin: germline.
Comment: Advanced modeling of protein sequence and biophysical properties (such as structural, functional, and spatial information, amino acid conservation, physicochemical variation, residue mobility, and thermodynamic stability) performed at Invitae indicates that this missense variant is not expected to disrupt COL9A3 protein function. In summary, the available evidence is currently insufficient to determine the role of this variant in disease. Therefore, it has been classified as a Variant of Uncertain Significance. ClinVar contains an entry for this variant (Variation ID: 1942511). This variant has not been reported in the literature in individuals affected with COL9A3-related conditions. This variant is not present in population databases (gnomAD no frequency). This sequence change replaces alanine, which is neutral and non-polar, with glycine, which is neutral and non-polar, at codon 52 of the COL9A3 protein (p.Ala52Gly).

NM_001853.4(COL9A3):c.155C>G (p.Ala52Gly)

Gene: COL9A3 (collagen type IX alpha 3 chain; plus strand). Cytogenetic location: 20q13.33.
Variant type: single nucleotide variant.
Coding change: c.155C>G on transcript NM_001853.4 (MANE Select); coding-DNA position 155, C replaced by G.
Protein change: p.Ala52Gly; replaces alanine 52 with glycine.
Molecular consequence: missense variant.
Genome position (GRCh38, 1-based): chr20:62,818,525, C>G. VCF-style: chr20-62818525-C-G. GRCh37 (hg19) VCF-style: chr20-61449877-C-G.
Other names: short protein forms A52G.
Identifiers: ClinVar variation 1942511 (VCV001942511.5), dbSNP rs1210571657, ClinGen allele CA409587427.